The following is an entry in ClinVar:

NM_000179.3(MSH6):c.3412G>T (p.Gly1138Trp)

Gene: MSH6 (mutS homolog 6; plus strand). Cytogenetic location: 2p16.3.
Variant type: single nucleotide variant.
Coding change: c.3412G>T on transcript NM_000179.3 (MANE Select); coding-DNA position 3412, G replaced by T.
Protein change: p.Gly1138Trp; replaces glycine 1138 with tryptophan.
Molecular consequence: missense variant. On other transcripts: non-coding transcript variant (5).
Genome position (GRCh38, 1-based): chr2:47,803,659, G>T. VCF-style: chr2-47803659-G-T. GRCh37 (hg19) VCF-style: chr2-48030798-G-T.
Other names: c.2506G>T, p.Gly836Trp (NM_001281493.2, NM_001281494.2, NM_001406811.1 and 6 more transcripts); c.3508G>T, p.Gly1170Trp (NM_001406795.1, NM_001406802.1); c.3412G>T, p.Gly1138Trp (NM_001406796.1, NM_001406800.1, NM_001406808.1 and 1 more transcripts); c.3115G>T, p.Gly1039Trp (NM_001406797.1, NM_001406801.1, NM_001406805.1 and 10 more transcripts); c.3238G>T, p.Gly1080Trp (NM_001406798.1); c.2887G>T, p.Gly963Trp (NM_001406799.1, NM_001406806.1, NM_001406807.1); c.2548G>T, p.Gly850Trp (NM_001406803.1); c.3022G>T, p.Gly1008Trp (NM_001281492.2); and 7 more; short protein forms G1008W, G1039W, G1112W, G616W, G1082W, G1140W, G850W, G87W.
Identifiers: ClinVar variation 3875106 (VCV003875106.3).

ClinVar aggregate classification (germline): Conflicting classifications of pathogenicity. Review status: criteria provided, conflicting classifications (1 of 4 stars). 2 submissions from 2 submitters: Likely pathogenic (1); Uncertain significance (1). Last evaluated 2026-01-01.

Conditions:
Hereditary nonpolyposis colorectal neoplasms. Identifiers: MedGen C0009405, MeSH D003123.
Hereditary cancer-predisposing syndrome. Also called: Tumor predisposition; Neoplastic Syndromes, Hereditary; Hereditary Cancer Syndrome; Hereditary neoplastic syndrome. Identifiers: Orphanet 140162, MedGen C0027672, MeSH D009386, MONDO:0015356.

gnomAD v4.1: 1 of 1,614,154 alleles (0.000062%); highest among the groups gnomAD compares: Non-Finnish European, 0.000085%; no homozygotes.

Submissions (2):

Labcorp Genetics (formerly Invitae), Labcorp
Classification: Uncertain significance for Hereditary nonpolyposis colorectal neoplasms. Last evaluated: 2026-01-01. Review status: criteria provided, single submitter. Criteria: Invitae Variant Classification Sherloc (09022015). Collection method: clinical testing. Allele origin: germline.
Comment: This sequence change replaces glycine, which is neutral and non-polar, with tryptophan, which is neutral and slightly polar, at codon 1138 of the MSH6 protein (p.Gly1138Trp). This variant is not present in population databases (gnomAD no frequency). This variant has not been reported in the literature in individuals affected with MSH6-related conditions. ClinVar contains an entry for this variant (Variation ID: 3875106). Invitae Evidence Modeling of protein sequence and biophysical properties (such as structural, functional, and spatial information, amino acid conservation, physicochemical variation, residue mobility, and thermodynamic stability) has been performed for this missense variant. However, the output from this modeling did not meet the statistical confidence thresholds required to predict the impact of this variant on MSH6 protein function. In summary, the available evidence is currently insufficient to determine the role of this variant in disease. Therefore, it has been classified as a Variant of Uncertain Significance.

Ambry Genetics
Classification: Likely pathogenic for Hereditary cancer-predisposing syndrome. Last evaluated: 2025-04-07. Review status: criteria provided, single submitter. Criteria: Ambry Variant Classification Scheme 2023. Collection method: clinical testing. Allele origin: germline.
Comment: The p.G1138W variant (also known as c.3412G>T), located in coding exon 5 of the MSH6 gene, results from a G to T substitution at nucleotide position 3412. The glycine at codon 1138 is replaced by tryptophan, an amino acid with highly dissimilar properties. Based on internal structural analysis, M278I is deleterious. The variant is part of the Walker A motif, a region essential for MSH6 function in mismatch repair (Ortega J et al. Cell Res, 2021 May;31:542-553; Ambry internal data). This variant is considered to be rare based on population cohorts in the Genome Aggregation Database (gnomAD). This amino acid position is highly conserved in available vertebrate species. In addition, this alteration is predicted to be deleterious by in silico analysis. Based on the majority of available evidence to date, this variant is likely to be pathogenic.

Literature cited by the submitters: PubMed 33510387 (cited by Ambry Genetics).